The following is an entry in ClinVar:

NM_198576.4(AGRN):c.435C>A (p.Asn145Lys)

Genes: AGRN (agrin; plus strand), LOC126805576 (P300/CBP strongly-dependent group 1 enhancer GRCh37_chr1:956772-957971; plus strand). Cytogenetic location: 1p36.33.
Variant type: single nucleotide variant.
Coding change: c.435C>A on transcript NM_198576.4 (MANE Select); coding-DNA position 435, C replaced by A.
Protein change: p.Asn145Lys; replaces asparagine 145 with lysine.
Molecular consequence: missense variant.
Genome position (GRCh38, 1-based): chr1:1,022,434, C>A. VCF-style: chr1-1022434-C-A. GRCh37 (hg19) VCF-style: chr1-957814-C-A.
Other names: c.435C>A, p.Asn145Lys (NM_001305275.2); short protein forms N145K.
Identifiers: ClinVar variation 1345953 (VCV001345953.6), dbSNP rs752866873, ClinGen allele CA507823.

ClinVar aggregate classification (germline): Uncertain significance (1 of 4 stars; one submission).

Conditions:
Congenital myasthenic syndrome 8. Also called: Myasthenic syndrome, congenital, 8, with pre- and postsynaptic defects; MYASTHENIC SYNDROME, CONGENITAL, DUE TO AGRIN DEFICIENCY. Identifiers: Orphanet 590, MedGen C3808739, MONDO:0014052, OMIM 615120.

Allele frequency attached by ClinVar (database versions not stated): gnomAD 0.00001; gnomAD exomes 0.00002; ExAC 0.00003.
gnomAD v4.1: 6 of 1,611,932 alleles (0.00037%); highest among the groups gnomAD compares: South Asian, 0.0011%; no homozygotes.

Submission:

Labcorp Genetics (formerly Invitae), Labcorp
Classification: Uncertain significance for Congenital myasthenic syndrome 8. Last evaluated: 2021-08-31. Review status: criteria provided, single submitter. Criteria: Invitae Variant Classification Sherloc (09022015). Collection method: clinical testing. Allele origin: germline.
Comment: In summary, the available evidence is currently insufficient to determine the role of this variant in disease. Therefore, it has been classified as a Variant of Uncertain Significance. This sequence change replaces asparagine with lysine at codon 145 of the AGRN protein (p.Asn145Lys). The asparagine residue is moderately conserved and there is a moderate physicochemical difference between asparagine and lysine. This variant is present in population databases (rs752866873, ExAC 0.006%). This variant has not been reported in the literature in individuals affected with AGRN-related conditions. Algorithms developed to predict the effect of missense changes on protein structure and function are either unavailable or do not agree on the potential impact of this missense change (SIFT: "Deleterious"; PolyPhen-2: "Benign"; Align-GVGD: "Class C0").